The following is an entry in ClinVar:

NM_000719.7(CACNA1C):c.2569C>G (p.Pro857Ala)

Gene: CACNA1C (calcium voltage-gated channel subunit alpha1 C; plus strand). Cytogenetic location: 12p13.33.
Variant type: single nucleotide variant.
Coding change: c.2569C>G on transcript NM_000719.7 (MANE Select); coding-DNA position 2569, C replaced by G.
Protein change: p.Pro857Ala; replaces proline 857 with alanine.
Molecular consequence: missense variant.
Genome position (GRCh38, 1-based): chr12:2,593,251, C>G. VCF-style: chr12-2593251-C-G. GRCh37 (hg19) VCF-style: chr12-2702417-C-G.
Other names: c.2569C>G, p.Pro857Ala (NM_001167625.2, NM_199460.4, NM_001129839.2 and 18 more transcripts); c.2560C>G, p.Pro854Ala (NM_001129844.2); short protein forms P854A, P857A.
Identifiers: ClinVar variation 1329799 (VCV001329799.30), dbSNP rs1391136601, ClinGen allele CA383372147.

ClinVar aggregate classification (germline): Conflicting classifications of pathogenicity. Review status: criteria provided, conflicting classifications (1 of 4 stars). 4 submissions from 4 submitters: Likely pathogenic (1); Uncertain significance (3). Last evaluated 2025-12-31.

Conditions:
Long QT syndrome (LQTS). Identifiers: MedGen C0023976, MeSH D008133, MONDO:0002442. Disease mechanism: loss of function. Inheritance: Various modes of inheritance.

Allele frequency attached by ClinVar (database versions not stated): gnomAD exomes below 0.00001; gnomAD 0.00001; TOPMed 0.00001.
gnomAD v4.1: 4 of 1,613,616 alleles (0.00025%); highest among the groups gnomAD compares: Non-Finnish European, 0.00034%; no homozygotes.

Submissions (4):

Women's Health and Genetics/Laboratory Corporation of America, LabCorp
Classification: Uncertain significance. Last evaluated: 2025-12-31. Review status: criteria provided, single submitter. Criteria: LabCorp Variant Classification Summary - May 2015. Collection method: clinical testing. Allele origin: germline.
Comment: Variant summary: CACNA1C c.2569C>G (p.Pro857Ala) results in a non-conservative amino acid change in the encoded protein sequence. Algorithms developed to predict the effect of missense changes on protein structure and function all suggest that this variant is likely to be disruptive. The variant was absent in 248512 control chromosomes. The available data on variant occurrences in the general population are insufficient to allow any conclusion about variant significance. To our knowledge, no occurrence of c.2569C>G in individuals affected with CACNA1C-related conditions and no experimental evidence demonstrating its impact on protein function have been reported. ClinVar contains an entry for this variant (Variation ID: 1329799). Based on the evidence outlined above, the variant was classified as uncertain significance.

Labcorp Genetics (formerly Invitae), Labcorp
Classification: Uncertain significance for Long QT syndrome. Last evaluated: 2024-07-21. Review status: criteria provided, single submitter. Criteria: Invitae Variant Classification Sherloc (09022015). Collection method: clinical testing. Allele origin: germline.
Comment: This sequence change replaces proline, which is neutral and non-polar, with alanine, which is neutral and non-polar, at codon 857 of the CACNA1C protein (p.Pro857Ala). This variant is not present in population databases (gnomAD no frequency). This variant has not been reported in the literature in individuals affected with CACNA1C-related conditions. ClinVar contains an entry for this variant (Variation ID: 1329799). Advanced modeling of protein sequence and biophysical properties (such as structural, functional, and spatial information, amino acid conservation, physicochemical variation, residue mobility, and thermodynamic stability) performed at Invitae indicates that this missense variant is not expected to disrupt CACNA1C protein function with a negative predictive value of 80%. Experimental studies have shown that this missense change does not substantially affect CACNA1C function (PMID: 22677788). This variant disrupts the p.Pro857 amino acid residue in CACNA1C. Other variant(s) that disrupt this residue have been determined to be pathogenic (PMID: 23677916, 32161207; Invitae). This suggests that this residue is clinically significant, and that variants that disrupt this residue are likely to be disease-causing. In summary, the available evidence is currently insufficient to determine the role of this variant in disease. Therefore, it has been classified as a Variant of Uncertain Significance.

CeGaT Center for Human Genetics Tuebingen
Classification: Uncertain significance. Last evaluated: 2023-04-01. Review status: criteria provided, single submitter. Criteria: CeGaT Center For Human Genetics Tuebingen Variant Classification Criteria Version 2. Collection method: clinical testing. Allele origin: germline. Affected: yes. Observed: 1 variant allele.
Comment: CACNA1C: PP2

GeneDx
Classification: Likely pathogenic. Last evaluated: 2021-06-22. Review status: criteria provided, single submitter. Criteria: GeneDx Variant Classification Process June 2021. Collection method: clinical testing. Allele origin: germline. Affected: yes.
Comment: Not observed at significant frequency in large population cohorts (Lek et al., 2016); In silico analysis supports that this missense variant has a deleterious effect on protein structure/function; Has not been previously published as pathogenic or benign to our knowledge; This variant is associated with the following publications: (PMID: 27535533)

Literature cited by the submitters: PubMed 22677788 (cited by Labcorp Genetics (formerly Invitae), Labcorp); PubMed 23677916 (cited by Labcorp Genetics (formerly Invitae), Labcorp); PubMed 32161207 (cited by Labcorp Genetics (formerly Invitae), Labcorp).